The following is an entry in ClinVar:

ClinVar aggregate classification (germline): Pathogenic/Likely pathogenic. Review status: criteria provided, multiple submitters, no conflicts (2 of 4 stars). 5 submissions from 5 submitters: Pathogenic (2); Likely pathogenic (2). 1 of the submissions does not count toward it. Last evaluated 2025-06-05.

Conditions:
Multiple sulfatase deficiency (MSD). Also called: Sulfatidosis, Juvenile, Austin Type; Mucosulfatidosis; Multiple Sulfatase Deficiency Disease. Identifiers: Orphanet 585, MedGen C0268263, MONDO:0010088, OMIM 272200.

Allele frequency attached by ClinVar (database versions not stated): gnomAD exomes below 0.00001.

Submissions (5):

Natera, Inc.
Classification: Pathogenic for Multiple sulfatase deficiency. Last evaluated: 2025-06-05. Review status: criteria provided, single submitter. Criteria: Natera Variant Classification Schema (03/2026). Collection method: clinical testing. Allele origin: germline.
Comment: The c.1A>G variant in SUMF1 is predicted to result in start loss due to disruption of the initiator methionine. This variant is expected to result in nonsense mediated decay, truncation, or a dysfunctional protein product. This variant is rare in the general population with a frequency below the threshold expected for the associated phenotype(s). This variant has been observed in one or more individuals affected with the associated recessive disease, as either homozygous or compound heterozygous with a second variant (PMID: 15146462). Given the available evidence, this variant is classified as Pathogenic.

Myriad Genetics, Inc.
Classification: Likely pathogenic for Multiple sulfatase deficiency. Last evaluated: 2025-01-13. Review status: criteria provided, single submitter. Criteria: Myriad Autosomal Dominant, Autosomal Recessive and X-Linked Classification Criteria (2023). Collection method: clinical testing. Allele origin: unknown.
Comment: NM_182760.3(SUMF1):c.1A>G(M1?) is an initiation codon variant classified as likely pathogenic in the context of multiple sulfatase deficiency. M1? has been observed in a case with relevant disease (PMID: 12757706). Relevant functional assessments of this variant are available in the literature (PMID: 18305113). M1? has not been observed in referenced population frequency databases. In summary, NM_182760.3(SUMF1):c.1A>G(M1?) is an initiation codon variant that has functional support for pathogenicity and has been observed more frequently in cases with the relevant disease than in healthy populations. Please note: this variant was assessed in the context of healthy population screening.

Fulgent Genetics
Classification: Likely pathogenic for Multiple sulfatase deficiency. Last evaluated: 2024-04-23. Review status: criteria provided, single submitter. Criteria: ACMG Guidelines, 2015. Collection method: clinical testing. Allele origin: germline.

Labcorp Genetics (formerly Invitae), Labcorp
Classification: Pathogenic for Multiple sulfatase deficiency. Last evaluated: 2022-09-01. Review status: criteria provided, single submitter. Criteria: Invitae Variant Classification Sherloc (09022015). Collection method: clinical testing. Allele origin: germline.
Comment: For these reasons, this variant has been classified as Pathogenic. This variant disrupts a region of the SUMF1 protein in which other variant(s) (p.Leu20Phe) have been observed in individuals with SUMF1-related conditions (PMID: 15146462). This suggests that this is a clinically significant region of the protein, and that variants that disrupt it are likely to be disease-causing. ClinVar contains an entry for this variant (Variation ID: 2679). Disruption of the initiator codon has been observed in individual(s) with multiple sulfatase deficiency (PMID: 15146462). This variant is not present in population databases (gnomAD no frequency). This sequence change affects the initiator methionine of the SUMF1 mRNA. The next in-frame methionine is located at codon 91.

OMIM
Classification: Pathogenic for MULTIPLE SULFATASE DEFICIENCY. Last evaluated: 2003-05-16. Review status: no assertion criteria provided. Collection method: literature only. Allele origin: germline. Not counted in ClinVar's aggregate classification.

Literature cited by the submitters: PubMed 15146462 (cited by Natera, Inc. and Labcorp Genetics (formerly Invitae), Labcorp); PubMed 12757706 (cited by Myriad Genetics, Inc. and OMIM); PubMed 18305113 (cited by Myriad Genetics, Inc.).

NM_182760.4(SUMF1):c.1A>G (p.Met1Val)

Gene: SUMF1 (sulfatase modifying factor 1; minus strand). Cytogenetic location: 3p26.1.
Variant type: single nucleotide variant.
Coding change: c.1A>G on transcript NM_182760.4 (MANE Select); coding-DNA position 1, A replaced by G.
Protein change: p.Met1Val; changes the start codon (methionine 1).
Molecular consequence: missense variant, initiator codon variant.
Genome position (GRCh38, 1-based): chr3:4,467,245, T>C on the plus strand (A>G on the coding strand, the complement: SUMF1 is on the minus strand). VCF-style: chr3-4467245-T-C. GRCh37 (hg19) VCF-style: chr3-4508929-T-C.
Other names: c.1A>G, p.Met1Val (NM_001164674.2, NM_001164675.2); c.1A>G (NM_182760.3); short protein forms M1V.
Identifiers: ClinVar variation 2679 (VCV000002679.11), dbSNP rs137852855, ClinGen allele CA115681.